The following is an entry in ClinVar:

ClinVar aggregate classification (germline): Uncertain significance. Review status: criteria provided, multiple submitters, no conflicts (2 of 4 stars). 2 submissions from 2 submitters: Uncertain significance (2). Last evaluated 2025-01-20.

Allele frequency attached by ClinVar (database versions not stated): TOPMed below 0.00001; gnomAD 0.00001; gnomAD exomes 0.00001.
gnomAD v4.1: 14 of 1,613,972 alleles (0.00087%); highest among the groups gnomAD compares: Admixed American, 0.0017%; no homozygotes.

Submissions (2):

Women's Health and Genetics/Laboratory Corporation of America, LabCorp
Classification: Uncertain significance. Last evaluated: 2025-01-20. Review status: criteria provided, single submitter. Criteria: LabCorp Variant Classification Summary - May 2015. Collection method: clinical testing. Allele origin: germline.
Comment: Variant summary: SCN2A c.1504A>G (p.Lys502Glu) results in a conservative amino acid change in the encoded protein sequence. Three of five in-silico tools predict a benign effect of the variant on protein function. The variant allele was found at a frequency of 8.1e-06 in 248304 control chromosomes. The available data on variant occurrences in the general population are insufficient to allow any conclusion about variant significance. To our knowledge, no occurrence of c.1504A>G in individuals affected with Early Infantile Epileptic Encephalopathy 11 and no experimental evidence demonstrating its impact on protein function have been reported. ClinVar contains an entry for this variant (Variation ID: 1316616). Based on the evidence outlined above, the variant was classified as uncertain significance.

GeneDx
Classification: Uncertain significance. Last evaluated: 2021-02-17. Review status: criteria provided, single submitter. Criteria: GeneDx Variant Classification Process June 2021. Collection method: clinical testing. Allele origin: germline. Affected: yes.
Comment: Not observed at a significant frequency in large population cohorts (Lek et al., 2016); Missense variants in this gene are often considered pathogenic (Stenson et al., 2014); In silico analysis supports that this missense variant does not alter protein structure/function; Has not been previously published as pathogenic or benign to our knowledge

NM_001040142.2(SCN2A):c.1504A>G (p.Lys502Glu)

Gene: SCN2A (sodium voltage-gated channel alpha subunit 2; plus strand). Cytogenetic location: 2q24.3.
Variant type: single nucleotide variant.
Coding change: c.1504A>G on transcript NM_001040142.2 (MANE Select); coding-DNA position 1504, A replaced by G.
Protein change: p.Lys502Glu; replaces lysine 502 with glutamic acid.
Molecular consequence: missense variant.
Genome position (GRCh38, 1-based): chr2:165,315,591, A>G. VCF-style: chr2-165315591-A-G. GRCh37 (hg19) VCF-style: chr2-166172101-A-G.
Other names: c.1504A>G, p.Lys502Glu (NM_001040143.2, NM_001371246.1, NM_001371247.1 and 1 more transcripts); short protein forms K502E.
Identifiers: ClinVar variation 1316616 (VCV001316616.4), dbSNP rs1418215188, ClinGen allele CA349023195.